The following is an entry in ClinVar:

NM_001429.4(EP300):c.5361C>T (p.Ala1787=)

Gene: EP300 (EP300 lysine acetyltransferase; plus strand). Cytogenetic location: 22q13.2.
Variant type: single nucleotide variant.
Coding change: c.5361C>T on transcript NM_001429.4 (MANE Select); coding-DNA position 5361, C replaced by T.
Protein change: p.Ala1787=; no amino-acid change (alanine 1787 retained).
Molecular consequence: synonymous variant.
Genome position (GRCh38, 1-based): chr22:41,177,072, C>T. VCF-style: chr22-41177072-C-T. GRCh37 (hg19) VCF-style: chr22-41573076-C-T.
Other names: c.5283C>T, p.Ala1761= (NM_001362843.2).
Identifiers: ClinVar variation 772365 (VCV000772365.11), dbSNP rs200552141, ClinGen allele CA10253625.

ClinVar aggregate classification (germline): Likely benign. Review status: criteria provided, multiple submitters, no conflicts (2 of 4 stars). 3 submissions from 3 submitters: Likely benign (2). 1 of the submissions does not count toward it. Last evaluated 2025-01-08.

Conditions:
EP300-related disorder. Also called: EP300-related disorders; EP300-related condition.
Rubinstein-Taybi syndrome due to EP300 haploinsufficiency. Also called: RUBINSTEIN-TAYBI SYNDROME 2; EP300-Related Rubinstein-Taybi Syndrome. Identifiers: Orphanet 353284, Orphanet 783, MedGen C3150941, MONDO:0013364, OMIM 613684.

Allele frequency attached by ClinVar (database versions not stated): ExAC 0.00002; gnomAD exomes 0.00005 and 0.00010; ESP Exome Variant Server 0.00008; TOPMed 0.00012; gnomAD 0.00013 and 0.00014.
gnomAD v4.1: 171 of 1,614,014 alleles (0.011%); highest among the groups gnomAD compares: Non-Finnish European, 0.013%; no homozygotes.

Submissions (3):

Labcorp Genetics (formerly Invitae), Labcorp
Classification: Likely benign for Rubinstein-Taybi syndrome due to EP300 haploinsufficiency. Last evaluated: 2025-01-08. Review status: criteria provided, single submitter. Criteria: Invitae Variant Classification Sherloc (09022015). Collection method: clinical testing. Allele origin: germline.

GeneDx
Classification: Likely benign. Last evaluated: 2020-12-22. Review status: criteria provided, single submitter. Criteria: GeneDx Variant Classification Process June 2021. Collection method: clinical testing. Allele origin: germline. Affected: yes.

PreventionGenetics, part of Exact Sciences
Classification: Likely benign for EP300-related condition. Last evaluated: 2021-11-09. Review status: no assertion criteria provided. Collection method: clinical testing. Allele origin: germline. Not counted in ClinVar's aggregate classification.
Comment: This variant is classified as likely benign based on ACMG/AMP sequence variant interpretation guidelines (Richards et al. 2015 PMID: 25741868, with internal and published modifications).